The following is an entry in ClinVar:

NM_004984.4(KIF5A):c.2919C>T (p.Asn973=)

Gene: KIF5A (kinesin family member 5A; plus strand). Cytogenetic location: 12q13.3.
Variant type: single nucleotide variant.
Coding change: c.2919C>T on transcript NM_004984.4 (MANE Select); coding-DNA position 2919, C replaced by T.
Protein change: p.Asn973=; no amino-acid change (asparagine 973 retained).
Molecular consequence: synonymous variant.
Genome position (GRCh38, 1-based): chr12:57,581,879, C>T. VCF-style: chr12-57581879-C-T. GRCh37 (hg19) VCF-style: chr12-57975662-C-T.
Other names: p.Asn973=; c.2652C>T, p.Asn884= (NM_001354705.2).
Identifiers: ClinVar variation 4683759 (VCV004683759.2).

ClinVar aggregate classification (germline): Likely benign. Review status: criteria provided, multiple submitters, no conflicts (2 of 4 stars). 2 submissions from 2 submitters: Likely benign (2). Last evaluated 2026-09-01.

gnomAD v4.1: 5 of 1,613,900 alleles (0.00031%); highest among the groups gnomAD compares: South Asian, 0.0044%; no homozygotes.

Submissions (2):

CeGaT Center for Human Genetics Tuebingen
Classification: Likely benign. Last evaluated: 2026-09-01. Review status: criteria provided, single submitter. Criteria: CeGaT Center For Human Genetics Tuebingen Variant Classification Criteria Version 2. Collection method: clinical testing. Allele origin: germline. Affected: yes. Observed: 1 variant allele.
Comment: KIF5A: BP4, BP7

Mayo Clinic Laboratories, Mayo Clinic
Classification: Likely benign. Last evaluated: 2025-10-31. Review status: criteria provided, single submitter. Criteria: ACMG Guidelines, 2015. Collection method: clinical testing. Allele origin: germline. Observed: 1 variant allele.
Comment: BP4, BP7